The following is an entry in ClinVar:

NM_020631.6(PLEKHG5):c.793C>T (p.Arg265Trp)

Gene: PLEKHG5 (pleckstrin homology and RhoGEF domain containing G5; minus strand). Cytogenetic location: 1p36.31.
Variant type: single nucleotide variant.
Coding change: c.793C>T on transcript NM_020631.6 (MANE Select); coding-DNA position 793, C replaced by T.
Protein change: p.Arg265Trp; replaces arginine 265 with tryptophan.
Molecular consequence: missense variant.
Genome position (GRCh38, 1-based): chr1:6,473,253, G>A on the plus strand (C>T on the coding strand, the complement: PLEKHG5 is on the minus strand). VCF-style: chr1-6473253-G-A. GRCh37 (hg19) VCF-style: chr1-6533313-G-A.
Other names: c.904C>T, p.Arg302Trp (NM_001042663.3, NM_001265592.2); c.793C>T, p.Arg265Trp (NM_001042664.2, NM_001042665.2, NM_001265594.3 and 1 more transcripts); c.1000C>T, p.Arg334Trp (NM_001265593.2); short protein forms R265W, R334W, R302W.
Identifiers: ClinVar variation 245734 (VCV000245734.12), dbSNP rs879253921, ClinGen allele CA10584155.

ClinVar aggregate classification (germline): Uncertain significance. Review status: criteria provided, multiple submitters, no conflicts (2 of 4 stars). 4 submissions from 4 submitters: Uncertain significance (4). Last evaluated 2025-09-03.

Conditions:
PLEKHG5-related disorder. Also called: PLEKHG5-related condition.
Inborn genetic diseases. Identifiers: MedGen C0950123, MeSH D030342.
Neuronopathy, distal hereditary motor, autosomal recessive 4. Also called: NEUROPATHY, DISTAL HEREDITARY MOTOR, AUTOSOMAL RECESSIVE 4; Autosomal recessive lower motor neuron disease with childhood onset. Identifiers: Orphanet 206580, MedGen C1970211, MONDO:0012608, OMIM 611067.
Charcot-Marie-Tooth disease recessive intermediate C. Also called: CHARCOT-MARIE-TOOTH NEUROPATHY, RECESSIVE INTERMEDIATE C. Identifiers: Orphanet 369867, MedGen C3809309, MONDO:0014154, OMIM 615376.

Allele frequency attached by ClinVar (database versions not stated): gnomAD exomes 0.00001 and 0.00002; TOPMed 0.00002; gnomAD 0.00003 and 0.00004.
gnomAD v4.1: 28 of 1,610,924 alleles (0.0017%); highest among the groups gnomAD compares: Middle Eastern, 0.016%; no homozygotes.

Submissions (4):

PreventionGenetics, part of Exact Sciences
Classification: Uncertain significance for PLEKHG5-related condition. Last evaluated: 2025-09-03. Review status: criteria provided, single submitter. Criteria: ACMG Guidelines, 2015. Collection method: clinical testing. Allele origin: germline.
Comment: The PLEKHG5 c.793C>T variant is predicted to result in the amino acid substitution p.Arg265Trp. To our knowledge, this variant has not been reported in the literature. This variant is reported in 0.0084% of alleles in individuals of African descent in gnomAD. At this time, the clinical significance of this variant is uncertain due to the absence of conclusive functional and genetic evidence.

Ambry Genetics
Classification: Uncertain significance for Inborn genetic diseases. Last evaluated: 2024-10-09. Review status: criteria provided, single submitter. Criteria: Ambry Variant Classification Scheme 2023. Collection method: clinical testing. Allele origin: germline.

Labcorp Genetics (formerly Invitae), Labcorp
Classification: Uncertain significance for Neuronopathy, distal hereditary motor, autosomal recessive 4; Charcot-Marie-Tooth disease recessive intermediate C. Last evaluated: 2022-07-19. Review status: criteria provided, single submitter. Criteria: Invitae Variant Classification Sherloc (09022015). Collection method: clinical testing. Allele origin: germline.
Comment: This sequence change replaces arginine, which is basic and polar, with tryptophan, which is neutral and slightly polar, at codon 265 of the PLEKHG5 protein (p.Arg265Trp). This variant is present in population databases (no rsID available, gnomAD 0.009%). This variant has not been reported in the literature in individuals affected with PLEKHG5-related conditions. ClinVar contains an entry for this variant (Variation ID: 245734). Algorithms developed to predict the effect of missense changes on protein structure and function are either unavailable or do not agree on the potential impact of this missense change (SIFT: "Deleterious"; PolyPhen-2: "Possibly Damaging"; Align-GVGD: "Class C0"). In summary, the available evidence is currently insufficient to determine the role of this variant in disease. Therefore, it has been classified as a Variant of Uncertain Significance.

GeneDx
Classification: Uncertain significance. Last evaluated: 2017-09-05. Review status: criteria provided, single submitter. Criteria: GeneDx Variant Classification (06012015). Collection method: clinical testing. Allele origin: germline. Affected: yes.
Comment: The R265W variant has not been published as pathogenic, nor has it been reported as a benign polymorphism to our knowledge. It was not observed in approximately 6,500 individuals of European and African American ancestry in the NHLBI Exome Sequencing Project, indicating it is not a common benign variant in these populations. The R265W variant is a non-conservative amino acid substitution, which is likely to impact secondary protein structure as these residues differ in polarity, charge, size and/or other properties. This substitution occurs at a position that is conserved in mammals, and in silico analysis predicts this variant is probably damaging to the protein structure/function. However, missense variants have not been reported in this region of the protein in association with neuropathy (Stenson et al., 2014). Therefore, based on the currently available information, it is unclear whether this variant is a pathogenic or a rare benign variant.